The following is an entry in ClinVar:

ClinVar aggregate classification (germline): Uncertain significance. Review status: criteria provided, multiple submitters, no conflicts (2 of 4 stars). 2 submissions from 2 submitters: Uncertain significance (2). Last evaluated 2025-12-02.

Conditions:
Inborn genetic diseases. Identifiers: MedGen C0950123, MeSH D030342.

Allele frequency attached by ClinVar (database versions not stated): TOPMed 0.00002; gnomAD 0.00003; gnomAD exomes 0.00004.
gnomAD v4.1: 59 of 1,560,770 alleles (0.0038%); highest among the groups gnomAD compares: Non-Finnish European, 0.0046%; no homozygotes.

Submissions (2):

Women's Health and Genetics/Laboratory Corporation of America, LabCorp
Classification: Uncertain significance. Last evaluated: 2025-12-02. Review status: criteria provided, single submitter. Criteria: LabCorp Variant Classification Summary - May 2015. Collection method: clinical testing. Allele origin: germline.
Comment: Variant summary: CCDC88C c.5765G>A (p.Ser1922Asn) results in a conservative amino acid change in the encoded protein sequence. Algorithms developed to predict the effect of missense changes on protein structure and function all suggest that this variant is likely to be tolerated. The frequency data for this variant in gnomAD is considered unreliable, as metrics indicate poor data quality at this position. To our knowledge, no occurrence of c.5765G>A in individuals affected with CCDC88C-related conditions and no experimental evidence demonstrating its impact on protein function have been reported. ClinVar contains an entry for this variant (Variation ID: 2521562). Based on the evidence outlined above, the variant was classified as uncertain significance.

Ambry Genetics
Classification: Uncertain significance for Inborn genetic diseases. Last evaluated: 2023-05-23. Review status: criteria provided, single submitter. Criteria: Ambry Variant Classification Scheme 2023. Collection method: clinical testing. Allele origin: germline.

NM_001080414.4(CCDC88C):c.5765G>A (p.Ser1922Asn)

Gene: CCDC88C (coiled-coil and HOOK domain protein 88C; minus strand). Cytogenetic location: 14q32.11.
Variant type: single nucleotide variant.
Coding change: c.5765G>A on transcript NM_001080414.4 (MANE Select); coding-DNA position 5765, G replaced by A.
Protein change: p.Ser1922Asn; replaces serine 1922 with asparagine.
Molecular consequence: missense variant.
Genome position (GRCh38, 1-based): chr14:91,272,947, C>T on the plus strand (G>A on the coding strand, the complement: CCDC88C is on the minus strand). VCF-style: chr14-91272947-C-T. GRCh37 (hg19) VCF-style: chr14-91739291-C-T.
Other names: short protein forms S1922N.
Identifiers: ClinVar variation 2521562 (VCV002521562.3), dbSNP rs997075496, ClinGen allele CA265517533.
Genomic context (GRCh38, chr14:91,272,947, plus strand): 5'-TTGGGCTTGGTCCTGGCAGCCGGGGCTGCAGCAGGTGAGAAGTGCAGGAGCTGGGAGTTG[C>T]TGCCACTGCCAGCAGCAGCAGCACCAGCACCTGCAGTGGCAATGGCGGGGGCTGTGGCAG-3'
Protein context (NP_001073883.2, residues 1912-1932): GAGAAAAGSG[Ser1922Asn]NSQLLHFSPA